The following is an entry in ClinVar:

ClinVar aggregate classification (germline): Uncertain significance (1 of 4 stars; one submission).

Conditions:
CNTNAP4-related disorder. Also called: CNTNAP4-related condition.

Allele frequency attached by ClinVar (database versions not stated): gnomAD 0.00001.
gnomAD v4.1: 2 of 1,570,686 alleles (0.00013%); highest among the groups gnomAD compares: African/African-American, 0.0027%; no homozygotes.

Submission:

PreventionGenetics, part of Exact Sciences
Classification: Uncertain significance for CNTNAP4-related condition. Last evaluated: 2023-04-16. Review status: criteria provided, single submitter. Criteria: ACMG Guidelines, 2015. Collection method: clinical testing. Allele origin: germline.
Comment: The CNTNAP4 c.3372G>C is a noncoding alteration. To our knowledge, this variant has not been reported in the literature. This variant is reported in 0.017% of alleles in individuals of African descent in gnomAD. At this time, the clinical significance of this variant is uncertain due to the absence of conclusive functional and genetic evidence.

NM_033401.5(CNTNAP4):c.3372G>C (p.Arg1124Ser)

Gene: CNTNAP4 (contactin associated protein family member 4; plus strand). Cytogenetic location: 16q23.1.
Variant type: single nucleotide variant.
Coding change: c.3372G>C on transcript NM_033401.5 (MANE Select); coding-DNA position 3372, G replaced by C.
Protein change: p.Arg1124Ser; replaces arginine 1124 with serine.
Molecular consequence: missense variant. On other transcripts: non-coding transcript variant (3).
Genome position (GRCh38, 1-based): chr16:76,540,720, G>C. VCF-style: chr16-76540720-G-C. GRCh37 (hg19) VCF-style: chr16-76574617-G-C.
Other names: c.3222G>C, p.Arg1074Ser (NM_001322178.2); c.3132G>C, p.Arg1044Ser (NM_001322179.2); c.2985G>C, p.Arg995Ser (NM_001322180.2); c.3369G>C, p.Arg1123Ser (NM_001322181.2); c.1956G>C, p.Arg652Ser (NM_001322187.2); c.3372G>C, p.Arg1124Ser (NM_001322188.2); c.3108G>C, p.Arg1036Ser (NM_001322189.2); c.3228G>C, p.Arg1076Ser (NM_001322190.2); and 2 more; short protein forms R1036S, R1044S, R1051S, R1074S, R1076S, R1123S, R1124S, R652S.
Identifiers: ClinVar variation 2635237 (VCV002635237.1), dbSNP rs757651754, ClinGen allele CA8179420.